The following is an entry in ClinVar:

ClinVar aggregate classification (germline): Uncertain significance (1 of 4 stars; one submission).

Conditions:
Cardiovascular phenotype. Identifiers: MedGen CN230736.

gnomAD v4.1: 1 of 1,610,000 alleles (0.000062%); highest among the groups gnomAD compares: African/African-American, 0.0013%; no homozygotes.

Submission:

Ambry Genetics
Classification: Uncertain significance for Cardiovascular phenotype. Last evaluated: 2024-09-08. Review status: criteria provided, single submitter. Criteria: Ambry Variant Classification Scheme 2023. Collection method: clinical testing. Allele origin: germline.
Comment: The p.A417G variant (also known as c.1250C>G), located in coding exon 9 of the LMF1 gene, results from a C to G substitution at nucleotide position 1250. The alanine at codon 417 is replaced by glycine, an amino acid with similar properties. This amino acid position is conserved. In addition, this alteration is predicted to be tolerated by in silico analysis. Based on the available evidence, the clinical significance of this variant remains unclear.

NM_022773.4(LMF1):c.1250C>G (p.Ala417Gly)

Gene: LMF1 (lipase maturation factor 1; minus strand). Cytogenetic location: 16p13.3.
Variant type: single nucleotide variant.
Coding change: c.1250C>G on transcript NM_022773.4 (MANE Select); coding-DNA position 1250, C replaced by G.
Protein change: p.Ala417Gly; replaces alanine 417 with glycine.
Molecular consequence: missense variant. On other transcripts: non-coding transcript variant (1).
Genome position (GRCh38, 1-based): chr16:870,049, G>C on the plus strand (C>G on the coding strand, the complement: LMF1 is on the minus strand). VCF-style: chr16-870049-G-C. GRCh37 (hg19) VCF-style: chr16-920049-G-C.
Other names: c.599C>G, p.Ala200Gly (NM_001352017.2, NM_001352021.2); c.851C>G, p.Ala284Gly (NM_001352018.2); c.923C>G, p.Ala308Gly (NM_001352019.2); c.1250C>G, p.Ala417Gly (NM_001352020.1); short protein forms A284G, A200G, A308G, A417G.
Identifiers: ClinVar variation 3538667 (VCV003538667.1).
Genomic context (GRCh38, chr16:870,049, plus strand): 5'-TCCCACATGGCATCGGGGGCGCTGGCGTTGGAGCTGGCTGTGCCCTGCAGGATCACCTCC[G>C]CCCGCTCCTTGGTGATGCTGCCGGGAGACCGAGGCAGGCCAGGCCCACGTCACACACCGG-3'
Protein context (NP_073610.2, residues 407-427): GAFGSITKER[Ala417Gly]EVILQGTASS